The following is an entry in ClinVar:

ClinVar aggregate classification (germline): Likely pathogenic. Review status: reviewed by expert panel (3 of 4 stars). 2 submissions from 2 submitters: Likely pathogenic (1). 1 of the submissions does not count toward it. Last evaluated 2024-01-16.

Conditions:
Glycogen storage disease, type II (IOPD). Also called: Glycogen storage disease type 2; Acid maltase deficiency disease; Aglucosidase alfa; Deficiency of alpha-glucosidase; Deficiency of lysosomal alpha-glucosidase; Glucosidase acid-1,4-alpha deficiency. Identifiers: Orphanet 365, MedGen C0017921, MONDO:0009290, OMIM 232300.

Submissions (2):

ClinGen Lysosomal Storage Disorder Variant Curation Expert Panel
Classification: Likely pathogenic for Glycogen storage disease, type II. Last evaluated: 2024-01-16. Review status: reviewed by expert panel. Criteria: clingen_lsd_acmg_specifications_v2-1. Collection method: curation. Allele origin: germline. Inheritance: Autosomal recessive inheritance.
Comment: The NM_000152.5: c.1400T>C variant in GAA is predicted to result in the missense substitution of phenylalanine by serine at amino acid 467 (p.Phe467Ser). This variant has been detected in one patient with a diagnosis of infantile onset Pompe disease (IOPD) with documented deficient GAA activity and on enzyme replacement therapy (Clinical Diagnostic Laboratory) (PP4_Moderate). This variant was confirmed to be in trans with c.2560C>T (p.Arg854Ter), a GAA variant classified as pathogenic by the ClinGen LD VCEP (ClinVar Variation ID: 4034, SCV001371731.1), in one patient with IOPD (Clinical Diagnostic Laboratory) (PM3). The variant is absent in gnomAD v2.1.1. (PM2_Supporting). The computational meta-predictor REVEL has a score of 0.941 for the variant, which is above the threshold of 0.7, indicating a negative impact on GAA function (PP3). In summary, this variant meets the criteria to be classified as likely pathogenic for Pompe disease. GAA-specific ACMG/AMP criteria met, as specified by the ClinGen LD VCEP (Specifications Version 2.0): PM3, PP4_Moderate, PP3, PM2_Supporting. (Classification approved by the ClinGen LD VCEP on Jan 16, 2024).

Labcorp Genetics (formerly Invitae), Labcorp
Classification: Likely pathogenic for Glycogen storage disease, type II. Last evaluated: 2023-10-11. Review status: criteria provided, single submitter. Criteria: Invitae Variant Classification Sherloc (09022015). Collection method: clinical testing. Allele origin: germline. Not counted in ClinVar's aggregate classification.
Comment: This sequence change replaces phenylalanine, which is neutral and non-polar, with serine, which is neutral and polar, at codon 467 of the GAA protein (p.Phe467Ser). This variant is not present in population databases (gnomAD no frequency). This missense change has been observed in individual(s) with Pompe disease (Invitae). In at least one individual the data is consistent with being in trans (on the opposite chromosome) from a pathogenic variant. Advanced modeling of protein sequence and biophysical properties (such as structural, functional, and spatial information, amino acid conservation, physicochemical variation, residue mobility, and thermodynamic stability) performed at Invitae indicates that this missense variant is expected to disrupt GAA protein function. In summary, the currently available evidence indicates that the variant is pathogenic, but additional data are needed to prove that conclusively. Therefore, this variant has been classified as Likely Pathogenic.

NM_000152.5(GAA):c.1400T>C (p.Phe467Ser)

Gene: GAA (alpha glucosidase; plus strand). Cytogenetic location: 17q25.3.
Variant type: single nucleotide variant.
Coding change: c.1400T>C on transcript NM_000152.5 (MANE Select); coding-DNA position 1400, T replaced by C.
Protein change: p.Phe467Ser; replaces phenylalanine 467 with serine.
Molecular consequence: missense variant.
Genome position (GRCh38, 1-based): chr17:80,110,018, T>C. VCF-style: chr17-80110018-T-C. GRCh37 (hg19) VCF-style: chr17-78083817-T-C.
Other names: NM_001079804.3:c.1400T>C; c.1400T>C, p.Phe467Ser (NM_001079803.3, NM_001079804.3, NM_001406741.1 and 1 more transcripts); short protein forms F467S.
Identifiers: ClinVar variation 2840512 (VCV002840512.4), dbSNP rs2510370572, ClinGen allele CA401366522.
Genomic context (GRCh38, chr17:80,110,018, plus strand): 5'-GCAGCTCGGGCCCTGCCGGGAGCTACAGGCCCTACGACGAGGGTCTGCGGAGGGGGGTTT[T>C]CATCACCAACGAGACCGGCCAGCCGCTGATTGGGAAGGTAGGGCGAGGGTCCAGGGGACG-3'
Protein context (NP_000143.2, residues 457-477): PYDEGLRRGV[Phe467Ser]ITNETGQPLI